The following is an entry in ClinVar:

NM_000059.4(BRCA2):c.8698G>A (p.Asp2900Asn)

Gene: BRCA2 (BRCA2 DNA repair associated; plus strand). Cytogenetic location: 13q13.1.
Variant type: single nucleotide variant.
Coding change: c.8698G>A on transcript NM_000059.4 (MANE Select); coding-DNA position 8698, G replaced by A.
Protein change: p.Asp2900Asn; replaces aspartic acid 2900 with asparagine.
Molecular consequence: missense variant. On other transcripts: non-coding transcript variant (1).
Genome position (GRCh38, 1-based): chr13:32,376,735, G>A. VCF-style: chr13-32376735-G-A. GRCh37 (hg19) VCF-style: chr13-32950872-G-A.
Other names: c.8602G>A, p.Asp2868Asn (NM_001406719.1); c.8698G>A, p.Asp2900Asn (NM_001406720.1, NM_001432077.1); c.3766G>A, p.Asp1256Asn (NM_001406721.1); c.2281G>A, p.Asp761Asn (NM_001406722.1); short protein forms D1256N, D2868N, D761N, D2900N.
Identifiers: ClinVar variation 3636544 (VCV003636544.2).

ClinVar aggregate classification (germline): Uncertain significance (1 of 4 stars; one submission).

Conditions:
Hereditary breast ovarian cancer syndrome. Also called: Hereditary breast and ovarian cancer syndrome; Hereditary breast and ovarian cancer syndrome (HBOC); BRCA1- and BRCA2-Associated Hereditary Breast and Ovarian Cancer; Hereditary breast and ovarian cancer; Breast and ovarian cancer; Hereditary breast and/or ovarian cancer syndrome. Identifiers: Orphanet 145, MedGen C0677776, MeSH D061325, MONDO:0003582. Disease mechanism: loss of function.

Submission:

Labcorp Genetics (formerly Invitae), Labcorp
Classification: Uncertain significance for Hereditary breast ovarian cancer syndrome. Last evaluated: 2024-03-20. Review status: criteria provided, single submitter. Criteria: Invitae Variant Classification Sherloc (09022015). Collection method: clinical testing. Allele origin: germline.
Comment: This sequence change replaces aspartic acid, which is acidic and polar, with asparagine, which is neutral and polar, at codon 2900 of the BRCA2 protein (p.Asp2900Asn). This variant is not present in population databases (gnomAD no frequency). This variant has not been reported in the literature in individuals affected with BRCA2-related conditions. Advanced modeling of protein sequence and biophysical properties (such as structural, functional, and spatial information, amino acid conservation, physicochemical variation, residue mobility, and thermodynamic stability) performed at Invitae indicates that this missense variant is not expected to disrupt BRCA2 protein function with a negative predictive value of 95%. In summary, the available evidence is currently insufficient to determine the role of this variant in disease. Therefore, it has been classified as a Variant of Uncertain Significance.